The following is an entry in ClinVar:

ClinVar aggregate classification (germline): Uncertain significance (1 of 4 stars; one submission).

Conditions:
Familial thoracic aortic aneurysm and aortic dissection (TAAD). Also called: Thoracic aortic aneurysms and dissections. Identifiers: Orphanet 91387, MedGen C4707243, MONDO:0019625.

Submission:

Color Diagnostics, LLC DBA Color Health
Classification: Uncertain significance for Familial thoracic aortic aneurysm and aortic dissection. Last evaluated: 2024-03-07. Review status: criteria provided, single submitter. Criteria: ACMG Guidelines, 2015. Collection method: clinical testing. Allele origin: germline.
Comment: This missense variant replaces aspartic acid with glutamic acid at codon 56 of the MYH11 protein. Computational prediction suggests that this variant may not impact protein structure and function (internally defined REVEL score threshold <= 0.5, PMID: 27666373). To our knowledge, functional studies have not been reported for this variant. This variant has not been reported in individuals affected with cardiovascular disorders in the literature. This variant has not been identified in the general population by the Genome Aggregation Database (gnomAD). The available evidence is insufficient to determine the role of this variant in disease conclusively. Therefore, this variant is classified as a Variant of Uncertain Significance.

NM_002474.3(MYH11):c.168T>G (p.Asp56Glu)

Gene: MYH11 (myosin heavy chain 11; minus strand). Cytogenetic location: 16p13.11.
Variant type: single nucleotide variant.
Coding change: c.168T>G on transcript NM_002474.3 (MANE Select); coding-DNA position 168, T replaced by G.
Protein change: p.Asp56Glu; replaces aspartic acid 56 with glutamic acid.
Molecular consequence: missense variant.
Genome position (GRCh38, 1-based): chr16:15,838,085, A>C on the plus strand (T>G on the coding strand, the complement: MYH11 is on the minus strand). VCF-style: chr16-15838085-A-C. GRCh37 (hg19) VCF-style: chr16-15931942-A-C.
Other names: c.168T>G, p.Asp56Glu (NM_001040113.2, NM_001040114.2, NM_022844.3); short protein forms D56E.
Identifiers: ClinVar variation 2773881 (VCV002773881.2), dbSNP rs2507037561, ClinGen allele CA395198525.